The following is an entry in ClinVar:

NM_001844.5(COL2A1):c.664G>C (p.Gly222Arg)

Gene: COL2A1 (collagen type II alpha 1 chain; minus strand). Cytogenetic location: 12q13.11.
Variant type: single nucleotide variant.
Coding change: c.664G>C on transcript NM_001844.5 (MANE Select); coding-DNA position 664, G replaced by C.
Protein change: p.Gly222Arg; replaces glycine 222 with arginine.
Molecular consequence: missense variant.
Genome position (GRCh38, 1-based): chr12:47,995,754, C>G on the plus strand (G>C on the coding strand, the complement: COL2A1 is on the minus strand). VCF-style: chr12-47995754-C-G. GRCh37 (hg19) VCF-style: chr12-48389537-C-G.
Other names: c.457G>C, p.Gly153Arg (NM_033150.3); short protein forms G222R, G153R.
Identifiers: ClinVar variation 2090887 (VCV002090887.4), dbSNP rs2540174605, ClinGen allele CA384523779.

ClinVar aggregate classification (germline): Pathogenic (1 of 4 stars; one submission).

Submission:

Labcorp Genetics (formerly Invitae), Labcorp
Classification: Pathogenic. Last evaluated: 2022-01-28. Review status: criteria provided, single submitter. Criteria: Invitae Variant Classification Sherloc (09022015). Collection method: clinical testing. Allele origin: germline.
Comment: This variant is not present in population databases (gnomAD no frequency). This sequence change replaces glycine, which is neutral and non-polar, with arginine, which is basic and polar, at codon 222 of the COL2A1 protein (p.Gly222Arg). This missense change has been observed in individual(s) with clinical features of Stickler syndrome (Invitae). For these reasons, this variant has been classified as Pathogenic. This variant disrupts the triple helix domain of COL2A1. Glycine residues within the Gly-Xaa-Yaa repeats of the triple helix domain are required for the structure and stability of fibrillar collagens (PMID: 7695699, 8218237, 19344236). In COL2A1, variants affecting these glycine residues are significantly enriched in individuals with disease (PMID: 9016532, 17078022) compared to the general population (ExAC). Advanced modeling of protein sequence and biophysical properties (such as structural, functional, and spatial information, amino acid conservation, physicochemical variation, residue mobility, and thermodynamic stability) performed at Invitae indicates that this missense variant is expected to disrupt COL2A1 protein function.

Literature cited by the submitters: PubMed 7695699; PubMed 8218237; PubMed 19344236; PubMed 9016532; PubMed 17078022.